The following is an entry in ClinVar:

NM_002386.4(MC1R):c.265G>C (p.Gly89Arg)

Gene: MC1R (melanocortin 1 receptor; plus strand). Cytogenetic location: 16q24.3.
Variant type: single nucleotide variant.
Coding change: c.265G>C on transcript NM_002386.4 (MANE Select); coding-DNA position 265, G replaced by C.
Protein change: p.Gly89Arg; replaces glycine 89 with arginine.
Molecular consequence: missense variant.
Genome position (GRCh38, 1-based): chr16:89,919,523, G>C. VCF-style: chr16-89919523-G-C. GRCh37 (hg19) VCF-style: chr16-89985931-G-C.
Other names: short protein forms G89R.
Identifiers: ClinVar variation 449207 (VCV000449207.14), dbSNP rs34540312, ClinGen allele CA8255542.

ClinVar aggregate classification (germline): Uncertain significance. Review status: criteria provided, multiple submitters, no conflicts (2 of 4 stars). 6 submissions from 6 submitters: Uncertain significance (4). 2 of the submissions do not count toward it. Last evaluated 2025-10-02.

Conditions:
Skin and Hair Hypopigmentation.
Tyrosinase-positive oculocutaneous albinism (OCA2). Also called: ALBINISM II; Oculocutaneous albinism type 2; Albinism, oculocutaneous, type II. Identifiers: Orphanet 79432, MedGen C0268495, MONDO:0008746, OMIM 203200.
Melanoma, cutaneous malignant, susceptibility to, 5. Also called: Cutaneous malignant melanoma 5. Identifiers: Orphanet 618, MedGen C2751295, MONDO:0013133, OMIM 613099.
SKIN/HAIR/EYE PIGMENTATION, VARIATION IN, 2 (SHEP2). Also called: BLOND HAIR/FAIR SKIN; HAIR COLOR 2; RED HAIR COLOR. Identifiers: MedGen C1849452, OMIM 266300.
Increased analgesia from kappa-opioid receptor agonist, female-specific. Identifiers: MedGen C2751296, OMIM 613098.

Allele frequency attached by ClinVar (database versions not stated): ESP Exome Variant Server 0.00008; TOPMed 0.00006.
gnomAD v4.1: 125 of 1,612,924 alleles (0.0077%); highest among the groups gnomAD compares: Non-Finnish European, 0.0097%; 1 homozygote.

Submissions (6):

Labcorp Genetics (formerly Invitae), Labcorp
Classification: Uncertain significance for Melanoma, cutaneous malignant, susceptibility to, 5. Last evaluated: 2025-10-02. Review status: criteria provided, single submitter. Criteria: Invitae Variant Classification Sherloc (09022015). Collection method: clinical testing. Allele origin: germline.
Comment: This sequence change replaces glycine, which is neutral and non-polar, with arginine, which is basic and polar, at codon 89 of the MC1R protein (p.Gly89Arg). This variant is present in population databases (rs34540312, gnomAD 0.01%). This missense change has been observed in individual(s) with melanoma (PMID: 17072629, 23522749, 24335900). ClinVar contains an entry for this variant (Variation ID: 449207). Invitae Evidence Modeling of protein sequence and biophysical properties (such as structural, functional, and spatial information, amino acid conservation, physicochemical variation, residue mobility, and thermodynamic stability) indicates that this missense variant is not expected to disrupt MC1R protein function with a negative predictive value of 80%. Experimental studies have shown that this missense change affects MC1R function (PMID: 23522749). In summary, the available evidence is currently insufficient to determine the role of this variant in disease. Therefore, it has been classified as a Variant of Uncertain Significance.

Fulgent Genetics
Classification: Uncertain significance for Tyrosinase-positive oculocutaneous albinism; SKIN/HAIR/EYE PIGMENTATION, VARIATION IN, 2; Increased analgesia from kappa-opioid receptor agonist, female-specific; Melanoma, cutaneous malignant, susceptibility to, 5. Last evaluated: 2018-10-31. Review status: criteria provided, single submitter. Criteria: ACMG Guidelines, 2015. Collection method: clinical testing. Allele origin: unknown.

GeneDx
Classification: Uncertain significance. Last evaluated: 2017-10-23. Review status: criteria provided, single submitter. Criteria: GeneDx Variant Classification (06012015). Collection method: clinical testing. Allele origin: germline. Affected: yes.
Comment: The G89R variant in the MC1R gene has been reported previously as a heterozygous variant in a patient with melanoma, and in a large family where homozyogus family members had hypopigmentation (Puig-Butille et al., 2013; Shahzad et al., 2015). The G89R variant is observed in 18/126318 (0.014%) alleles from individuals of non-Finnish European background, in large population cohorts (Lek et al., 2016). The G89R variant is a non-conservative amino acid substitution, which is likely to impact secondary protein structure as these residues differ in polarity, charge, size and/or other properties. This substitution occurs at a position that is not conserved across species. Functional studies showed that the receptor protein with G89R variant has complete loss of function and three dimensional in silico analysis predicts that G89R affected protein folding (Ozola et al., 2013; Ibarrola-Villaga et al., 2014). We interpret G89R as a variant of uncertain significance.

Illumina Laboratory Services, Illumina
Classification: Uncertain significance for Melanoma, cutaneous malignant, susceptibility to, 5. Last evaluated: 2017-09-28. Review status: criteria provided, single submitter. Criteria: ICSL Variant Classification Criteria 13 December 2019. Collection method: clinical testing. Allele origin: germline.
Comment: This variant was observed as part of a predisposition screen in an ostensibly healthy population. A literature search was performed for the gene, cDNA change, and amino acid change (where applicable). Publications were found based on this search. However, the evidence from the literature, in combination with allele frequency data from public databases where available, was not sufficient to rule this variant in or out of causing disease. Therefore, this variant is classified as a variant of unknown significance.

University of Washington Center for Mendelian Genomics, University of Washington
Classification: Likely pathogenic for Skin and Hair Hypopigmentation. Last evaluated: 2015-09-22. Review status: no assertion criteria provided. Collection method: research. Allele origin: unknown. Affected: yes. Not counted in ClinVar's aggregate classification.

Yale Center for Mendelian Genomics, Yale University
Classification: Likely pathogenic for Tyrosinase-positive oculocutaneous albinism. Last evaluated: 2015-09-22. Review status: no assertion criteria provided. Collection method: literature only. Allele origin: germline. Affected: yes. Observed: 11 homozygotes. Not counted in ClinVar's aggregate classification.

Literature cited by the submitters: PubMed 17072629 (cited by Labcorp Genetics (formerly Invitae), Labcorp); PubMed 23522749 (cited by Labcorp Genetics (formerly Invitae), Labcorp and Illumina Laboratory Services, Illumina); PubMed 24335900 (cited by Labcorp Genetics (formerly Invitae), Labcorp and Illumina Laboratory Services, Illumina); PubMed 23647022 (cited by Illumina Laboratory Services, Illumina); PubMed 18067130 (cited by Illumina Laboratory Services, Illumina); PubMed 28242083 (cited by Illumina Laboratory Services, Illumina); PubMed 12839583 (cited by Illumina Laboratory Services, Illumina); PubMed 26197705 (cited by 3 submitters).